The following is an entry in ClinVar:

NM_004991.4(MECOM):c.1232G>A (p.Gly411Glu)

Gene: MECOM (MDS1 and EVI1 complex locus; minus strand). Cytogenetic location: 3q26.2.
Variant type: single nucleotide variant.
Coding change: c.1232G>A on transcript NM_004991.4 (MANE Select); coding-DNA position 1232, G replaced by A.
Protein change: p.Gly411Glu; replaces glycine 411 with glutamic acid.
Molecular consequence: missense variant. On other transcripts: intron variant (2).
Genome position (GRCh38, 1-based): chr3:169,116,640, C>T on the plus strand (G>A on the coding strand, the complement: MECOM is on the minus strand). VCF-style: chr3-169116640-C-T. GRCh37 (hg19) VCF-style: chr3-168834428-C-T.
Other names: c.863G>A, p.Gly288Glu (NM_001105077.4); c.668G>A, p.Gly223Glu (NM_001105078.4, NM_001164000.2, NM_001205194.2 and 4 more transcripts); c.671G>A, p.Gly224Glu (NM_001163999.2, NM_001366467.2, NM_001366468.2 and 1 more transcripts); c.1232G>A, p.Gly411Glu (NM_001366466.2); c.1133-873G>A (NM_001366473.2); c.569-873G>A (NM_001366474.2); short protein forms G223E, G411E, G224E, G288E.
Identifiers: ClinVar variation 4053131 (VCV004053131.1).

ClinVar aggregate classification (germline): Uncertain significance (1 of 4 stars; one submission).

Conditions:
Inborn genetic diseases. Identifiers: MedGen C0950123, MeSH D030342.

gnomAD v4.1: 12 of 1,614,170 alleles (0.00074%); highest among the groups gnomAD compares: Non-Finnish European, 0.001%; no homozygotes.

Submission:

Ambry Genetics
Classification: Uncertain significance for Inborn genetic diseases. Last evaluated: 2025-03-31. Review status: criteria provided, single submitter. Criteria: Ambry Variant Classification Scheme 2023. Collection method: clinical testing. Allele origin: germline.
Comment: The p.G411E variant (also known as c.1232G>A), located in coding exon 8 of the MECOM gene, results from a G to A substitution at nucleotide position 1232. The glycine at codon 411 is replaced by glutamic acid, an amino acid with similar properties. This amino acid position is conserved. In addition, this alteration is predicted to be deleterious by in silico analysis. Based on the available evidence, the clinical significance of this variant remains unclear.